The following is an entry in ClinVar:

ClinVar aggregate classification (germline): Uncertain significance. Review status: criteria provided, multiple submitters, no conflicts (2 of 4 stars). 3 submissions from 3 submitters: Uncertain significance (3). Last evaluated 2024-09-12.

Conditions:
X-linked Alport syndrome (ATS1). Also called: COL4A5-Related Nephropathy; NEPHROPATHY AND DEAFNESS, X-LINKED. Identifiers: Orphanet 63, Orphanet 88917, MedGen C4746986, MONDO:0010520, OMIM 301050.

Submissions (3):

3billion
Classification: Uncertain significance for X-linked Alport syndrome. Last evaluated: 2024-09-12. Review status: criteria provided, single submitter. Criteria: ACMG Guidelines, 2015. Collection method: clinical testing. Allele origin: germline. Affected: yes.
Comment: The variant is not observed in the gnomAD v4.0.0 dataset. Predicted Consequence/Location: Intron variant In silico tools predict the variant to alter splicing and produce an abnormal transcript [SpliceAI: 0.94 (>=0.2, moderate evidence for spliceogenicity)]. The variant has been reported as of uncertain significance (ClinVar ID: VCV001077058). Therefore, this variant is classified as VUS according to the recommendation of ACMG/AMP guideline.

Labcorp Genetics (formerly Invitae), Labcorp
Classification: Uncertain significance. Last evaluated: 2023-07-10. Review status: criteria provided, single submitter. Criteria: Invitae Variant Classification Sherloc (09022015). Collection method: clinical testing. Allele origin: germline.
Comment: Variants that disrupt the consensus splice site are a relatively common cause of aberrant splicing (PMID: 17576681, 9536098). Algorithms developed to predict the effect of sequence changes on RNA splicing suggest that this variant may disrupt the consensus splice site. This sequence change falls in intron 15 of the COL4A5 gene. It does not directly change the encoded amino acid sequence of the COL4A5 protein. It affects a nucleotide within the consensus splice site. This variant is not present in population databases (gnomAD no frequency). This variant has not been reported in the literature in individuals affected with COL4A5-related conditions. ClinVar contains an entry for this variant (Variation ID: 1077058). In summary, the available evidence is currently insufficient to determine the role of this variant in disease. Therefore, it has been classified as a Variant of Uncertain Significance.

Precision Medicine Center, Zhengzhou University
Classification: Uncertain significance for X-linked Alport syndrome. Review status: criteria provided, single submitter. Criteria: ACMG Guidelines, 2015. Collection method: research. Allele origin: germline. Affected: yes.
Comment: PM2:not found in gnomAD PP1:Cosegregation with disease in multiple affected family members PP4:Patient's phenotype is highly specific for a disease

Literature cited by the submitters: PubMed 17576681 (cited by Labcorp Genetics (formerly Invitae), Labcorp); PubMed 9536098 (cited by Labcorp Genetics (formerly Invitae), Labcorp).

NM_033380.3(COL4A5):c.891+5G>A

Gene: COL4A5 (collagen type IV alpha 5 chain; plus strand). Cytogenetic location: Xq22.3.
Variant type: single nucleotide variant.
Coding change: c.891+5G>A on transcript NM_033380.3 (MANE Select); 5 bases into the intron after coding-DNA position 891, G replaced by A.
Molecular consequence: intron variant.
Genome position (GRCh38, 1-based): chrX:108,580,743, G>A. VCF-style: chrX-108580743-G-A. GRCh37 (hg19) VCF-style: chrX-107823973-G-A.
Other names: c.891+5G>A (NM_000495.5).
Identifiers: ClinVar variation 1077058 (VCV001077058.5), dbSNP rs2147776814, ClinGen allele CA2499226302.